The following is an entry in ClinVar:

NM_000135.4(FANCA):c.893+19C>G

Gene: FANCA (FA complementation group A; minus strand). Cytogenetic location: 16q24.3.
Variant type: single nucleotide variant.
Coding change: c.893+19C>G on transcript NM_000135.4 (MANE Select); 19 bases into the intron after coding-DNA position 893, C replaced by G.
Molecular consequence: intron variant.
Genome position (GRCh38, 1-based): chr16:89,799,147, G>C on the plus strand (C>G on the coding strand, the complement: FANCA is on the minus strand). VCF-style: chr16-89799147-G-C. GRCh37 (hg19) VCF-style: chr16-89865555-G-C.
Other names: c.893+19C>G (NM_001286167.3, NM_001018112.3); c.797+19C>G (NM_001351830.2).
Identifiers: ClinVar variation 1163994 (VCV001163994.15), dbSNP rs377406711, ClinGen allele CA8252701.

ClinVar aggregate classification (germline): Conflicting classifications of pathogenicity. Review status: criteria provided, conflicting classifications (1 of 4 stars). 5 submissions from 5 submitters: Uncertain significance (1); Benign (1); Likely benign (3). Last evaluated 2026-10-01.

Conditions:
Fanconi anemia complementation group A (FANCA). Also called: FANCA-Related Fanconi Anemia; Fanconi anemia, group A. Identifiers: Orphanet 84, MedGen C3469521, MONDO:0009215, OMIM 227650.
Fanconi anemia (FA). Also called: Fanconi's anemia. Identifiers: Orphanet 84, MedGen C0015625, MeSH D005199, MONDO:0019391.

Allele frequency attached by ClinVar (database versions not stated): ExAC 0.00013; 1000 Genomes Project 30x 0.00016; 1000 Genomes Project 0.00020; gnomAD 0.00046 and 0.00051; ESP Exome Variant Server 0.00054; TOPMed 0.00064.
gnomAD v4.1: 152 of 1,614,130 alleles (0.0094%); highest among the groups gnomAD compares: African/African-American, 0.18%; no homozygotes.

Submissions (5):

CeGaT Center for Human Genetics Tuebingen
Classification: Likely benign. Last evaluated: 2026-10-01. Review status: criteria provided, single submitter. Criteria: CeGaT Center For Human Genetics Tuebingen Variant Classification Criteria Version 2. Collection method: clinical testing. Allele origin: germline. Affected: yes. Observed: 1 variant allele.
Comment: FANCA: BP4, BP7

Labcorp Genetics (formerly Invitae), Labcorp
Classification: Likely benign for Fanconi anemia. Last evaluated: 2025-11-23. Review status: criteria provided, single submitter. Criteria: Invitae Variant Classification Sherloc (09022015). Collection method: clinical testing. Allele origin: germline.

Blueprint Genetics
Classification: Likely benign. Last evaluated: 2024-11-13. Review status: criteria provided, single submitter. Criteria: ACMG Guidelines, 2015. Collection method: clinical testing. Allele origin: germline.

ARUP Laboratories, Molecular Genetics and Genomics, ARUP Laboratories
Classification: Benign for Fanconi anemia complementation group A. Last evaluated: 2024-02-22. Review status: criteria provided, single submitter. Criteria: ARUP Molecular Germline Variant Investigation Process 2024. Collection method: clinical testing. Allele origin: germline.

Mayo Clinic Laboratories, Mayo Clinic
Classification: Uncertain significance. Last evaluated: 2019-05-30. Review status: criteria provided, single submitter. Criteria: ACMG Guidelines, 2015. Collection method: clinical testing. Allele origin: germline. Observed: 1 variant allele.